The following is an entry in ClinVar:

NM_000142.5(FGFR3):c.2028C>T (p.Asp676=)

Gene: FGFR3 (fibroblast growth factor receptor 3; plus strand). Cytogenetic location: 4p16.3.
Variant type: single nucleotide variant.
Coding change: c.2028C>T on transcript NM_000142.5 (MANE Select); coding-DNA position 2028, C replaced by T.
Protein change: p.Asp676=; no amino-acid change (aspartic acid 676 retained).
Molecular consequence: synonymous variant. On other transcripts: non-coding transcript variant (1), intron variant (1).
Genome position (GRCh38, 1-based): chr4:1,806,325, C>T. VCF-style: chr4-1806325-C-T. GRCh37 (hg19) VCF-style: chr4-1808052-C-T.
Other names: c.2034C>T, p.Asp678= (NM_001163213.2); c.2031C>T, p.Asp677= (NM_001354809.2); c.1692C>T, p.Asp564= (NM_022965.4); c.1962+152C>T (NM_001354810.2).
Identifiers: ClinVar variation 1680118 (VCV001680118.9), dbSNP rs754598297, ClinGen allele CA2810678.

ClinVar aggregate classification (germline): Conflicting classifications of pathogenicity. Review status: criteria provided, conflicting classifications (1 of 4 stars). 2 submissions from 2 submitters: Uncertain significance (1); Likely benign (1). Last evaluated 2025-06-18.

Allele frequency attached by ClinVar (database versions not stated): ExAC 0.00002; gnomAD 0.00003 and 0.00004; gnomAD exomes 0.00003 and 0.00004; TOPMed 0.00005.
gnomAD v4.1: 65 of 1,612,924 alleles (0.004%); highest among the groups gnomAD compares: African/African-American, 0.0013%; no homozygotes.

Submissions (2):

Labcorp Genetics (formerly Invitae), Labcorp
Classification: Likely benign. Last evaluated: 2025-06-18. Review status: criteria provided, single submitter. Criteria: Invitae Variant Classification Sherloc (09022015). Collection method: clinical testing. Allele origin: germline.

Women's Health and Genetics/Laboratory Corporation of America, LabCorp
Classification: Uncertain significance. Last evaluated: 2023-10-26. Review status: criteria provided, single submitter. Criteria: LabCorp Variant Classification Summary - May 2015. Collection method: clinical testing. Allele origin: germline.
Comment: Variant summary: FGFR3 c.2028C>T (p.Asp676Asp) alters a non-conserved nucleotide located close to a canonical splice site and therefore could affect mRNA splicing, leading to a significantly altered protein sequence. Computational tools predict a significant impact on normal splicing: Two predict the variant weakens a canonical 5' splicing donor site, and one predicts it abolishes this site. However, these predictions have yet to be confirmed by functional studies. The variant allele was found at a frequency of 2.8e-05 in 248938 control chromosomes (gnomAD). The available data on variant occurrences in the general population are insufficient to allow any conclusion about variant significance. To our knowledge, no occurrence of c.2028C>T in individuals affected with Achondroplasia and no experimental evidence demonstrating its impact on protein function have been reported. One submitter has cited a clinical-significance assessment for this variant to ClinVar after 2014 and has classified the variant as likely benign. Based on the evidence outlined above, the variant was classified as uncertain significance.